The following is an entry in ClinVar:

ClinVar aggregate classification (germline): Uncertain significance (1 of 4 stars; one submission).

Conditions:
Autoimmune lymphoproliferative syndrome type 1. Also called: AUTOIMMUNE LYMPHOPROLIFERATIVE SYNDROME, TYPE I, AUTOSOMAL DOMINANT. Identifiers: Orphanet 3261, MedGen C2717884, MONDO:0011158, OMIM 601859.

Allele frequency attached by ClinVar (database versions not stated): gnomAD 0.00001; gnomAD exomes 0.00001 and below 0.00001; ExAC 0.00001.
gnomAD v4.1: 4 of 1,613,328 alleles (0.00025%); highest among the groups gnomAD compares: Admixed American, 0.005%; no homozygotes.

Submission:

Labcorp Genetics (formerly Invitae), Labcorp
Classification: Uncertain significance for Autoimmune lymphoproliferative syndrome. Last evaluated: 2021-02-27. Review status: criteria provided, single submitter. Criteria: Invitae Variant Classification Sherloc (09022015). Collection method: clinical testing. Allele origin: germline.
Comment: This sequence change replaces proline with serine at codon 213 of the FAS protein (p.Pro213Ser). The proline residue is weakly conserved and there is a moderate physicochemical difference between proline and serine. This variant is present in population databases (rs755532307, ExAC 0.002%). This variant has not been reported in the literature in individuals with FAS-related conditions. Algorithms developed to predict the effect of missense changes on protein structure and function are either unavailable or do not agree on the potential impact of this missense change (SIFT: "Not Available"; PolyPhen-2: "Benign"; Align-GVGD: "Not Available"). In summary, the available evidence is currently insufficient to determine the role of this variant in disease. Therefore, it has been classified as a Variant of Uncertain Significance.

NM_000043.6(FAS):c.637C>T (p.Pro213Ser)

Gene: FAS (Fas cell surface death receptor; plus strand). Cytogenetic location: 10q23.31.
Variant type: single nucleotide variant.
Coding change: c.637C>T on transcript NM_000043.6 (MANE Select); coding-DNA position 637, C replaced by T.
Protein change: p.Pro213Ser; replaces proline 213 with serine.
Molecular consequence: missense variant. On other transcripts: non-coding transcript variant (6), intron variant (1).
Genome position (GRCh38, 1-based): chr10:89,012,067, C>T. VCF-style: chr10-89012067-C-T. GRCh37 (hg19) VCF-style: chr10-90771824-C-T.
Other names: c.574C>T, p.Pro192Ser (NM_152871.4); c.637C>T, p.Pro213Ser (NM_152872.4); c.568+1252C>T (NM_001320619.2); short protein forms P213S, P192S.
Identifiers: ClinVar variation 1347150 (VCV001347150.6), dbSNP rs755532307, ClinGen allele CA5593172.